The following is an entry in ClinVar:

ClinVar aggregate classification (germline): Uncertain significance. Review status: criteria provided, multiple submitters, no conflicts (2 of 4 stars). 4 submissions from 4 submitters: Uncertain significance (4). Last evaluated 2026-02-11.

Conditions:
PCNT-related disorder. Also called: PCNT-related condition.
Microcephalic osteodysplastic primordial dwarfism type II (MOPD2). Also called: MOPD II; OSTEODYSPLASTIC PRIMORDIAL DWARFISM, TYPE II; Microcephalic osteodysplastic primordial dwarfism with tooth abnormalities. Identifiers: Orphanet 2637, MedGen C0432246, MONDO:0008872, OMIM 210720.

Allele frequency attached by ClinVar (database versions not stated): gnomAD 0.00002 and 0.00003; ExAC 0.00003; TOPMed 0.00003; gnomAD exomes 0.00005 and 0.00006; 1000 Genomes Project 0.00020; 1000 Genomes Project 30x 0.00031.
gnomAD v4.1: 75 of 1,614,186 alleles (0.0046%); highest among the groups gnomAD compares: Admixed American, 0.018%; no homozygotes.

Submissions (4):

PreventionGenetics, part of Exact Sciences
Classification: Uncertain significance for PCNT-related condition. Last evaluated: 2026-02-11. Review status: criteria provided, single submitter. Criteria: ACMG Guidelines, 2015. Collection method: clinical testing. Allele origin: germline.
Comment: The PCNT c.4351C>T variant is predicted to result in the amino acid substitution p.Arg1451Cys. To our knowledge, this variant has not been reported in the literature. This variant is reported in 0.020% of alleles in individuals of Latino descent in gnomAD. At this time, the clinical significance of this variant is uncertain due to the absence of conclusive functional and genetic evidence.

Labcorp Genetics (formerly Invitae), Labcorp
Classification: Uncertain significance. Last evaluated: 2025-06-12. Review status: criteria provided, single submitter. Criteria: Invitae Variant Classification Sherloc (09022015). Collection method: clinical testing. Allele origin: germline.
Comment: This sequence change replaces arginine, which is basic and polar, with cysteine, which is neutral and slightly polar, at codon 1451 of the PCNT protein (p.Arg1451Cys). This variant is present in population databases (rs200606073, gnomAD 0.02%). This variant has not been reported in the literature in individuals affected with PCNT-related conditions. ClinVar contains an entry for this variant (Variation ID: 211859). An algorithm developed to predict the effect of missense changes on protein structure and function (PolyPhen-2) suggests that this variant is likely to be tolerated. In summary, the available evidence is currently insufficient to determine the role of this variant in disease. Therefore, it has been classified as a Variant of Uncertain Significance.

Illumina Laboratory Services, Illumina
Classification: Uncertain significance for Microcephalic osteodysplastic primordial dwarfism type II. Last evaluated: 2017-04-27. Review status: criteria provided, single submitter. Criteria: ICSL Variant Classification Criteria 13 December 2019. Collection method: clinical testing. Allele origin: germline.

Genetic Services Laboratory, University of Chicago
Classification: Uncertain significance. Last evaluated: 2015-04-13. Review status: criteria provided, single submitter. Criteria: ACMG Guidelines, 2015. Collection method: clinical testing. Allele origin: germline.

NM_006031.6(PCNT):c.4351C>T (p.Arg1451Cys)

Gene: PCNT (pericentrin; plus strand). Cytogenetic location: 21q22.3.
Variant type: single nucleotide variant.
Coding change: c.4351C>T on transcript NM_006031.6 (MANE Select); coding-DNA position 4351, C replaced by T.
Protein change: p.Arg1451Cys; replaces arginine 1451 with cysteine.
Molecular consequence: missense variant.
Genome position (GRCh38, 1-based): chr21:46,397,399, C>T. VCF-style: chr21-46397399-C-T. GRCh37 (hg19) VCF-style: chr21-47817313-C-T.
Other names: c.3997C>T, p.Arg1333Cys (NM_001315529.2); short protein forms R1451C, R1333C.
Identifiers: ClinVar variation 211859 (VCV000211859.12), dbSNP rs200606073, ClinGen allele CA208228.